The following is an entry in ClinVar:

NM_003482.4(KMT2D):c.5546G>A (p.Gly1849Glu)

Gene: KMT2D (lysine methyltransferase 2D; minus strand). Cytogenetic location: 12q13.12.
Variant type: single nucleotide variant.
Coding change: c.5546G>A on transcript NM_003482.4 (MANE Select); coding-DNA position 5546, G replaced by A.
Protein change: p.Gly1849Glu; replaces glycine 1849 with glutamic acid.
Molecular consequence: missense variant.
Genome position (GRCh38, 1-based): chr12:49,043,174, C>T on the plus strand (G>A on the coding strand, the complement: KMT2D is on the minus strand). VCF-style: chr12-49043174-C-T. GRCh37 (hg19) VCF-style: chr12-49436957-C-T.
Other names: c.5546G>A (NM_003482.3); short protein forms G1849E.
Identifiers: ClinVar variation 134681 (VCV000134681.9), dbSNP rs587778459, ClinGen allele CA160527.

ClinVar aggregate classification (germline): Conflicting classifications of pathogenicity. Review status: criteria provided, conflicting classifications (1 of 4 stars). 3 submissions from 3 submitters: Uncertain significance (1); Likely benign (1). 1 of the submissions does not count toward it. Last evaluated 2025-11-19.

Conditions:
KMT2D-related disorder. Also called: KMT2D-Related Disorders.
Kabuki syndrome. Also called: NIIKAWA-KUROKI SYNDROME; Kabuki make-up syndrome. Identifiers: Orphanet 2322, MedGen C0796004, MONDO:0016512.

Allele frequency attached by ClinVar (database versions not stated): gnomAD exomes 0.00003 and 0.00001; ExAC 0.00004; TOPMed 0.00011; gnomAD 0.00012 and 0.00013.

Submissions (3):

Labcorp Genetics (formerly Invitae), Labcorp
Classification: Likely benign for Kabuki syndrome. Last evaluated: 2025-11-19. Review status: criteria provided, single submitter. Criteria: Invitae Variant Classification Sherloc (09022015). Collection method: clinical testing. Allele origin: germline.

PreventionGenetics, part of Exact Sciences
Classification: Uncertain significance for KMT2D-related condition. Last evaluated: 2023-08-03. Review status: criteria provided, single submitter. Criteria: ACMG Guidelines, 2015. Collection method: clinical testing. Allele origin: germline.
Comment: The KMT2D c.5546G>A variant is predicted to result in the amino acid substitution p.Gly1849Glu. To our knowledge, this variant has not been reported in the literature. This variant is reported in 0.045% of alleles in individuals of African descent in gnomAD. Although we suspect that this variant may be benign, at this time, the clinical significance of this variant is uncertain due to the absence of conclusive functional and genetic evidence.

ITMI
No classification provided. Condition: AllHighlyPenetrant. Last evaluated: 2013-09-19. Review status: no classification provided. Collection method: reference population. Allele origin: germline. Not counted in ClinVar's aggregate classification.
Comment: Please see associated publication for description of ethnicities

Literature cited by the submitters: PubMed 24728327 (cited by ITMI).